The following is an entry in ClinVar:

NM_000836.4(GRIN2D):c.3943C>T (p.His1315Tyr)

Gene: GRIN2D (glutamate ionotropic receptor NMDA type subunit 2D; plus strand). Cytogenetic location: 19q13.33.
Variant type: single nucleotide variant.
Coding change: c.3943C>T on transcript NM_000836.4 (MANE Select); coding-DNA position 3943, C replaced by T.
Protein change: p.His1315Tyr; replaces histidine 1315 with tyrosine.
Molecular consequence: missense variant.
Genome position (GRCh38, 1-based): chr19:48,443,869, C>T. VCF-style: chr19-48443869-C-T. GRCh37 (hg19) VCF-style: chr19-48947126-C-T.
Other names: short protein forms H1315Y.
Identifiers: ClinVar variation 3359483 (VCV003359483.1).

ClinVar aggregate classification (germline): Uncertain significance (1 of 4 stars; one submission).

gnomAD v4.1: 1 of 1,482,074 alleles (0.000067%); highest among the groups gnomAD compares: Non-Finnish European, 0.000089%; no homozygotes.

Submission:

GeneDx
Classification: Uncertain significance. Last evaluated: 2023-06-06. Review status: criteria provided, single submitter. Criteria: GeneDx Variant Classification Process June 2021. Collection method: clinical testing. Allele origin: germline. Affected: yes.
Comment: Not observed at significant frequency in large population cohorts (gnomAD); In silico analysis supports that this missense variant does not alter protein structure/function; Has not been previously published as pathogenic or benign to our knowledge